The following is an entry in ClinVar:

ClinVar aggregate classification (germline): Uncertain significance (1 of 4 stars; one submission).

Allele frequency attached by ClinVar (database versions not stated): gnomAD exomes below 0.00001; gnomAD 0.00001; TOPMed 0.00001.
gnomAD v4.1: 2 of 1,614,058 alleles (0.00012%); highest among the groups gnomAD compares: Admixed American, 0.0017%; no homozygotes.

Submission:

Labcorp Genetics (formerly Invitae), Labcorp
Classification: Uncertain significance. Last evaluated: 2023-03-02. Review status: criteria provided, single submitter. Criteria: Invitae Variant Classification Sherloc (09022015). Collection method: clinical testing. Allele origin: germline.
Comment: This sequence change replaces asparagine, which is neutral and polar, with isoleucine, which is neutral and non-polar, at codon 301 of the KRT5 protein (p.Asn301Ile). This variant is present in population databases (no rsID available, gnomAD 0.0009%). This variant has not been reported in the literature in individuals affected with KRT5-related conditions. Advanced modeling of protein sequence and biophysical properties (such as structural, functional, and spatial information, amino acid conservation, physicochemical variation, residue mobility, and thermodynamic stability) has been performed at Invitae for this missense variant, however the output from this modeling did not meet the statistical confidence thresholds required to predict the impact of this variant on KRT5 protein function. In summary, the available evidence is currently insufficient to determine the role of this variant in disease. Therefore, it has been classified as a Variant of Uncertain Significance.

NM_000424.4(KRT5):c.902A>T (p.Asn301Ile)

Gene: KRT5 (keratin 5; minus strand). Cytogenetic location: 12q13.13.
Variant type: single nucleotide variant.
Coding change: c.902A>T on transcript NM_000424.4 (MANE Select); coding-DNA position 902, A replaced by T.
Protein change: p.Asn301Ile; replaces asparagine 301 with isoleucine.
Molecular consequence: missense variant.
Genome position (GRCh38, 1-based): chr12:52,517,922, T>A on the plus strand (A>T on the coding strand, the complement: KRT5 is on the minus strand). VCF-style: chr12-52517922-T-A. GRCh37 (hg19) VCF-style: chr12-52911706-T-A.
Other names: short protein forms N301I.
Identifiers: ClinVar variation 2992129 (VCV002992129.3), dbSNP rs1325728628, ClinGen allele CA384926810.